The following is an entry in ClinVar:

NM_000112.4(SLC26A2):c.264G>A (p.Met88Ile)

Gene: SLC26A2 (solute carrier family 26 member 2; plus strand). Cytogenetic location: 5q32.
Variant type: single nucleotide variant.
Coding change: c.264G>A on transcript NM_000112.4 (MANE Select); coding-DNA position 264, G replaced by A.
Protein change: p.Met88Ile; replaces methionine 88 with isoleucine.
Molecular consequence: missense variant.
Genome position (GRCh38, 1-based): chr5:149,977,916, G>A. VCF-style: chr5-149977916-G-A. GRCh37 (hg19) VCF-style: chr5-149357479-G-A.
Other names: short protein forms M88I.
Identifiers: ClinVar variation 1898918 (VCV001898918.3), dbSNP rs1204157806, ClinGen allele CA361704596.

ClinVar aggregate classification (germline): Uncertain significance. Review status: criteria provided, multiple submitters, no conflicts (2 of 4 stars). 2 submissions from 2 submitters: Uncertain significance (2). Last evaluated 2025-03-14.

Conditions:
Multiple epiphyseal dysplasia type 4 (EDM4). Also called: SLC26A2-Related Multiple Epiphyseal Dysplasia; Multiple Epiphyseal Dysplasia, Recessive; MULTIPLE EPIPHYSEAL DYSPLASIA WITH BILAYERED PATELLAE; MULTIPLE EPIPHYSEAL DYSPLASIA WITH CLUBFOOT; MULTIPLE EPIPHYSEAL DYSPLASIA, AUTOSOMAL RECESSIVE. Identifiers: Orphanet 93307, MedGen C1847593, MONDO:0009189, OMIM 226900.
Atelosteogenesis type II (AO2). Also called: SLC26A2-Related Atelosteogenesis; NEONATAL OSSEOUS DYSPLASIA I; Neonatal osseous dysplasia 1. Identifiers: Orphanet 56304, MedGen C1850554, MONDO:0009727, OMIM 256050.
Achondrogenesis, type IB (ACG1B). Also called: Achondrogenesis Type 1B. Identifiers: Orphanet 932, Orphanet 93298, MedGen C0265274, MONDO:0010966, OMIM 600972.
Diastrophic dysplasia (DTD). Also called: Diastrophic dwarfism. Identifiers: Orphanet 628, MedGen C0220726, MONDO:0009107, OMIM 222600.

Allele frequency attached by ClinVar (database versions not stated): TOPMed 0.00001; gnomAD exomes below 0.00001; gnomAD 0.00001.
gnomAD v4.1: 6 of 1,614,070 alleles (0.00037%); highest among the groups gnomAD compares: Admixed American, 0.0017%; no homozygotes.

Submissions (2):

ARUP Laboratories, Molecular Genetics and Genomics, ARUP Laboratories
Classification: Uncertain significance. Last evaluated: 2025-03-14. Review status: criteria provided, single submitter. Criteria: ARUP Molecular Germline Variant Investigation Process 2024. Collection method: clinical testing. Allele origin: germline.
Comment: The SLC26A2 c.264G>A; p.Met88Ile variant (rs1204157806), to our knowledge, is not reported in the medical literature but is reported in ClinVar (Variation ID: 1898918). This variant is absent from the Genome Aggregation Database (v2.1.1), indicating it is not a common polymorphism. Computational analyses are uncertain whether this variant is neutral or deleterious (REVEL: 0.162). Due to limited information, the clinical significance of this variant is uncertain at this time.

Labcorp Genetics (formerly Invitae), Labcorp
Classification: Uncertain significance for Atelosteogenesis type II; Multiple epiphyseal dysplasia type 4; Achondrogenesis, type IB; Diastrophic dysplasia. Last evaluated: 2022-05-06. Review status: criteria provided, single submitter. Criteria: Invitae Variant Classification Sherloc (09022015). Collection method: clinical testing. Allele origin: germline.
Comment: This sequence change replaces methionine, which is neutral and non-polar, with isoleucine, which is neutral and non-polar, at codon 88 of the SLC26A2 protein (p.Met88Ile). This variant is not present in population databases (gnomAD no frequency). This variant has not been reported in the literature in individuals affected with SLC26A2-related conditions. Advanced modeling of protein sequence and biophysical properties (such as structural, functional, and spatial information, amino acid conservation, physicochemical variation, residue mobility, and thermodynamic stability) performed at Invitae indicates that this missense variant is not expected to disrupt SLC26A2 protein function. In summary, the available evidence is currently insufficient to determine the role of this variant in disease. Therefore, it has been classified as a Variant of Uncertain Significance.